The following is an entry in ClinVar:

NM_001166108.2(PALLD):c.3243C>T (p.His1081=)

Genes: CBR4 (carbonyl reductase 4; minus strand), PALLD (palladin, cytoskeletal associated protein; plus strand). Cytogenetic location: 4q32.3.
Variant type: single nucleotide variant.
Coding change: c.3243C>T on transcript NM_001166108.2 (MANE Select); coding-DNA position 3243, C replaced by T.
Protein change: p.His1081=; no amino-acid change (histidine 1081 retained).
Molecular consequence: synonymous variant.
Genome position (GRCh38, 1-based): chr4:168,924,963, C>T. VCF-style: chr4-168924963-C-T. GRCh37 (hg19) VCF-style: chr4-169846114-C-T.
Other names: c.2046C>T, p.His682= (NM_001166109.2); c.1731C>T, p.His577= (NM_001166110.2); c.1071C>T, p.His357= (NM_001367567.1, NM_001367569.1); c.1122C>T, p.His374= (NM_001367568.1, NM_001367570.1); c.3192C>T, p.His1064= (NM_016081.4).
Identifiers: ClinVar variation 1122595 (VCV001122595.13), dbSNP rs779615947, ClinGen allele CA3136075.

ClinVar aggregate classification (germline): Likely benign. Review status: criteria provided, multiple submitters, no conflicts (2 of 4 stars). 3 submissions from 3 submitters: Likely benign (2). 1 of the submissions does not count toward it. Last evaluated 2025-12-26.

Conditions:
Pancreatic adenocarcinoma. Identifiers: MedGen C0281361, MONDO:0006047, HP:0006725.
PALLD-related disorder. Also called: PALLD-related condition.

Allele frequency attached by ClinVar (database versions not stated): gnomAD exomes 0.00001 and 0.00003; TOPMed 0.00001; gnomAD 0.00002; ExAC 0.00004.
gnomAD v4.1: 28 of 1,613,996 alleles (0.0017%); highest among the groups gnomAD compares: Middle Eastern, 0.016%; no homozygotes.

Submissions (3):

Labcorp Genetics (formerly Invitae), Labcorp
Classification: Likely benign for Pancreatic adenocarcinoma. Last evaluated: 2025-12-26. Review status: criteria provided, single submitter. Criteria: Invitae Variant Classification Sherloc (09022015). Collection method: clinical testing. Allele origin: germline.

Ambry Genetics
Classification: Likely benign. Last evaluated: 2022-03-24. Review status: criteria provided, single submitter. Criteria: Ambry Variant Classification Scheme 2023. Collection method: clinical testing. Allele origin: germline.

PreventionGenetics, part of Exact Sciences
Classification: Likely benign for PALLD-related condition. Last evaluated: 2020-12-22. Review status: no assertion criteria provided. Collection method: clinical testing. Allele origin: germline. Not counted in ClinVar's aggregate classification.
Comment: This variant is classified as likely benign based on ACMG/AMP sequence variant interpretation guidelines (Richards et al. 2015 PMID: 25741868, with internal and published modifications).